The following is an entry in ClinVar:

NM_001267550.2(TTN):c.64161G>A (p.Trp21387Ter)

Genes: TTN-AS1 (TTN antisense RNA 1; plus strand), TTN (titin; minus strand). Cytogenetic location: 2q31.2.
Variant type: single nucleotide variant.
Coding change: c.64161G>A on transcript NM_001267550.2 (MANE Select); coding-DNA position 64161, G replaced by A.
Protein change: p.Trp21387Ter; replaces tryptophan 21387 with a stop codon.
Molecular consequence: nonsense.
Genome position (GRCh38, 1-based): chr2:178,586,740, C>T on the plus strand (G>A on the coding strand, the complement: TTN is on the minus strand). VCF-style: chr2-178586740-C-T. GRCh37 (hg19) VCF-style: chr2-179451467-C-T.
Other names: c.59238G>A, p.Trp19746Ter (NM_001256850.1); c.36966G>A, p.Trp12322Ter (NM_003319.4); c.56457G>A, p.Trp18819Ter (NM_133378.4); c.37341G>A, p.Trp12447Ter (NM_133432.3); c.37542G>A, p.Trp12514Ter (NM_133437.4); short protein forms W12322*, W12447*, W12514*, W18819*, W19746*, W21387*.
Identifiers: ClinVar variation 5016790 (VCV005016790.1).
Genomic context (GRCh38, chr2:178,586,740, plus strand): 5'-TTCTCTGTAACTAGTGATGTAGCCATCGATTTTAGCACCTCCATCACGTAGGGGAGGTAA[C>T]CAGGCTAAGGTGGCACTGTTCTTGGTCATTTCAGTCACTTCTAATTTCCTTGGGGGATCC-3'

ClinVar aggregate classification (germline): Likely pathogenic (1 of 4 stars; one submission).

Submission:

GeneDx
Classification: Likely pathogenic. Last evaluated: 2026-03-24. Review status: criteria provided, single submitter. Criteria: GeneDx Variant Classification Process June 2021. Collection method: clinical testing. Allele origin: germline.
Comment: Has not been previously published as pathogenic or benign to our knowledge; Not observed at significant frequency in large population cohorts (gnomAD); Located in the A-band, a region of TTN for which truncating variants are significantly associated with autosomal dominant cardiomyopathy and also with autosomal recessive skeletal myopathies (PMID: 22335739, 32778822); Nonsense variant predicted to result in protein truncation or nonsense mediated decay in a gene for which loss of function is a known mechanism of disease; This variant is associated with the following publications: (PMID: 22335739, 32778822)